The following is an entry in ClinVar:

ClinVar aggregate classification (germline): Uncertain significance (1 of 4 stars; one submission).

Submission:

Ambry Genetics
Classification: Uncertain significance. Last evaluated: 2026-03-12. Review status: criteria provided, single submitter. Criteria: Ambry Variant Classification Scheme 2023. Collection method: clinical testing. Allele origin: germline.
Comment: The p.S222N variant (also known as c.665G>A), located in coding exon 1 of the CDK12 gene, results from a G to A substitution at nucleotide position 665. The serine at codon 222 is replaced by asparagine, an amino acid with highly similar properties. This amino acid position is conserved. In addition, this alteration is predicted to be tolerated by in silico analysis. Based on the available evidence, the clinical significance of this variant remains unclear.

NM_016507.4(CDK12):c.665G>A (p.Ser222Asn)

Genes: CDK12 (cyclin dependent kinase 12; plus strand), LOC126862553 (CDK7 strongly-dependent group 2 enhancer GRCh37_chr17:37618166-37619365; plus strand). Cytogenetic location: 17q12.
Variant type: single nucleotide variant.
Coding change: c.665G>A on transcript NM_016507.4 (MANE Select); coding-DNA position 665, G replaced by A.
Protein change: p.Ser222Asn; replaces serine 222 with asparagine.
Molecular consequence: missense variant.
Genome position (GRCh38, 1-based): chr17:39,462,736, G>A. VCF-style: chr17-39462736-G-A. GRCh37 (hg19) VCF-style: chr17-37618989-G-A.
Other names: c.665G>A, p.Ser222Asn (NM_015083.4); short protein forms S222N.
Identifiers: ClinVar variation 4825965 (VCV004825965.1).